The following is an entry in ClinVar:

NM_017654.4(SAMD9):c.2530A>T (p.Ser844Cys)

Gene: SAMD9 (sterile alpha motif domain containing 9; minus strand). Cytogenetic location: 7q21.2.
Variant type: single nucleotide variant.
Coding change: c.2530A>T on transcript NM_017654.4 (MANE Select); coding-DNA position 2530, A replaced by T.
Protein change: p.Ser844Cys; replaces serine 844 with cysteine.
Molecular consequence: missense variant.
Genome position (GRCh38, 1-based): chr7:93,103,568, T>A on the plus strand (A>T on the coding strand, the complement: SAMD9 is on the minus strand). VCF-style: chr7-93103568-T-A. GRCh37 (hg19) VCF-style: chr7-92732881-T-A.
Other names: c.2530A>T, p.Ser844Cys (NM_001193307.2); short protein forms S844C.
Identifiers: ClinVar variation 4159065 (VCV004159065.1).

ClinVar aggregate classification (germline): Uncertain significance (1 of 4 stars; one submission).

Conditions:
Inborn genetic diseases. Identifiers: MedGen C0950123, MeSH D030342.

Submission:

Ambry Genetics
Classification: Uncertain significance for Inborn genetic diseases. Last evaluated: 2025-07-06. Review status: criteria provided, single submitter. Criteria: Ambry Variant Classification Scheme 2023. Collection method: clinical testing. Allele origin: germline.
Comment: The p.S844C variant (also known as c.2530A>T), located in coding exon 1 of the SAMD9 gene, results from an A to T substitution at nucleotide position 2530. The serine at codon 844 is replaced by cysteine, an amino acid with dissimilar properties. This amino acid position is conserved. In addition, this alteration is predicted to be tolerated by in silico analysis. Based on the available evidence, the clinical significance of this variant remains unclear.